The following is an entry in ClinVar:

NM_181332.3(NLGN4X):c.1021G>A (p.Gly341Arg)

Gene: NLGN4X (neuroligin 4 X-linked; minus strand). Cytogenetic location: Xp22.32.
Variant type: single nucleotide variant.
Coding change: c.1021G>A on transcript NM_181332.3 (MANE Select); coding-DNA position 1021, G replaced by A.
Protein change: p.Gly341Arg; replaces glycine 341 with arginine.
Molecular consequence: missense variant.
Genome position (GRCh38, 1-based): chrX:5,903,657, C>T on the plus strand (G>A on the coding strand, the complement: NLGN4X is on the minus strand). VCF-style: chrX-5903657-C-T. GRCh37 (hg19) VCF-style: chrX-5821698-C-T.
Other names: c.1021G>A, p.Gly341Arg (NM_001282145.2, NM_001282146.2, NM_001441322.1 and 4 more transcripts); short protein forms G341R.
Identifiers: ClinVar variation 4526949 (VCV004526949.1).

ClinVar aggregate classification (germline): Uncertain significance (1 of 4 stars; one submission).

gnomAD v4.1: 1 of 1,209,849 alleles (0.000083%); highest among the groups gnomAD compares: African/African-American, 0.0018%; no homozygotes.

Submission:

GeneDx
Classification: Uncertain significance. Last evaluated: 2025-04-23. Review status: criteria provided, single submitter. Criteria: GeneDx Variant Classification Process June 2021. Collection method: clinical testing. Allele origin: germline. Affected: yes.
Comment: Not observed at significant frequency in large population cohorts (gnomAD); In silico analysis supports that this missense variant has a deleterious effect on protein structure/function; Has not been previously published as pathogenic or benign to our knowledge